The following is an entry in ClinVar:

ClinVar aggregate classification (germline): Uncertain significance (1 of 4 stars; one submission).

Conditions:
Peroxisome biogenesis disorder. Identifiers: Orphanet 79189, MedGen C1832200, MONDO:0019234. Disease mechanism: loss of function.

Submission:

Labcorp Genetics (formerly Invitae), Labcorp
Classification: Uncertain significance for Peroxisome biogenesis disorder. Last evaluated: 2024-04-03. Review status: criteria provided, single submitter. Criteria: Invitae Variant Classification Sherloc (09022015). Collection method: clinical testing. Allele origin: germline.
Comment: This sequence change replaces proline, which is neutral and non-polar, with alanine, which is neutral and non-polar, at codon 472 of the PEX6 protein (p.Pro472Ala). This variant is not present in population databases (gnomAD no frequency). This variant has not been reported in the literature in individuals affected with PEX6-related conditions. Advanced modeling of protein sequence and biophysical properties (such as structural, functional, and spatial information, amino acid conservation, physicochemical variation, residue mobility, and thermodynamic stability) performed at Invitae indicates that this missense variant is not expected to disrupt PEX6 protein function with a negative predictive value of 95%. In summary, the available evidence is currently insufficient to determine the role of this variant in disease. Therefore, it has been classified as a Variant of Uncertain Significance.

NM_000287.4(PEX6):c.1414C>G (p.Pro472Ala)

Gene: PEX6 (peroxisomal biogenesis factor 6; minus strand). Cytogenetic location: 6p21.1.
Variant type: single nucleotide variant.
Coding change: c.1414C>G on transcript NM_000287.4 (MANE Select); coding-DNA position 1414, C replaced by G.
Protein change: p.Pro472Ala; replaces proline 472 with alanine.
Molecular consequence: missense variant. On other transcripts: non-coding transcript variant (1).
Genome position (GRCh38, 1-based): chr6:42,968,939, G>C on the plus strand (C>G on the coding strand, the complement: PEX6 is on the minus strand). VCF-style: chr6-42968939-G-C. GRCh37 (hg19) VCF-style: chr6-42936677-G-C.
Other names: c.1150C>G, p.Pro384Ala (NM_001316313.2); short protein forms P472A, P384A.
Identifiers: ClinVar variation 3648665 (VCV003648665.2).
Genomic context (GRCh38, chr6:42,968,939, plus strand): 5'-GTAAGTGGAGCCCAAGGTGACTACAGGCAGCAGCAACTACTGTGGTCTTCCCACAGCCTG[G>C]GGGGCCCCGTAGAAGGACACTGCTAGTTCCTGTCAGCAGGGCACCCCTGCAACCAGAGAA-3'
Protein context (NP_000278.3, residues 462-482): GTSSVLLRGP[Pro472Ala]GCGKTTVVAA